The following is an entry in ClinVar:

NM_000722.4(CACNA2D1):c.2463+13T>A

Gene: CACNA2D1 (calcium voltage-gated channel auxiliary subunit alpha2delta 1; minus strand). Cytogenetic location: 7q21.11.
Variant type: single nucleotide variant.
Coding change: c.2463+13T>A on transcript NM_000722.4 (MANE Select); 13 bases into the intron after coding-DNA position 2463, T replaced by A.
Molecular consequence: intron variant.
Genome position (GRCh38, 1-based): chr7:81,967,583, A>T on the plus strand (T>A on the coding strand, the complement: CACNA2D1 is on the minus strand). VCF-style: chr7-81967583-A-T. GRCh37 (hg19) VCF-style: chr7-81596899-A-T.
Other names: c.2499+13T>A (NM_001366867.1); c.2463+13T>A (LRG_437t1).
Identifiers: ClinVar variation 391190 (VCV000391190.8), dbSNP rs771850068, ClinGen allele CA4317624.

ClinVar aggregate classification (germline): Likely benign. Review status: criteria provided, multiple submitters, no conflicts (2 of 4 stars). 2 submissions from 2 submitters: Likely benign (2). Last evaluated 2026-01-21.

Conditions:
Brugada syndrome. Also called: Sudden Unexplained Death Syndrome; Sudden Unexplained Nocturnal Death Syndrome (SUNDS); Sudden unexplained nocturnal death syndrome; Sudden unexpected nocturnal death syndrome. Identifiers: Orphanet 130, MedGen C1142166, MONDO:0015263.

Allele frequency attached by ClinVar (database versions not stated): gnomAD exomes 0.00002 and 0.00006; ExAC 0.00019; gnomAD 0.00031 and 0.00034; TOPMed 0.00032.
gnomAD v4.1: 75 of 1,404,282 alleles (0.0053%); highest among the groups gnomAD compares: African/African-American, 0.091%; no homozygotes.

Submissions (2):

Labcorp Genetics (formerly Invitae), Labcorp
Classification: Likely benign for Brugada syndrome. Last evaluated: 2026-01-21. Review status: criteria provided, single submitter. Criteria: Invitae Variant Classification Sherloc (09022015). Collection method: clinical testing. Allele origin: germline.

GeneDx
Classification: Likely benign. Last evaluated: 2016-11-28. Review status: criteria provided, single submitter. Criteria: GeneDx Variant Classification (06012015). Collection method: clinical testing. Allele origin: germline. Affected: yes.
Comment: This variant is considered likely benign or benign based on one or more of the following criteria: it is a conservative change, it occurs at a poorly conserved position in the protein, it is predicted to be benign by multiple in silico algorithms, and/or has population frequency not consistent with disease.